The following is an entry in ClinVar:

NM_018489.3(ASH1L):c.5206G>T (p.Ala1736Ser)

Gene: ASH1L (ASH1 like histone lysine methyltransferase; minus strand). Cytogenetic location: 1q22.
Variant type: single nucleotide variant.
Coding change: c.5206G>T on transcript NM_018489.3 (MANE Select); coding-DNA position 5206, G replaced by T.
Protein change: p.Ala1736Ser; replaces alanine 1736 with serine.
Molecular consequence: missense variant.
Genome position (GRCh38, 1-based): chr1:155,438,949, C>A on the plus strand (G>T on the coding strand, the complement: ASH1L is on the minus strand). VCF-style: chr1-155438949-C-A. GRCh37 (hg19) VCF-style: chr1-155408740-C-A.
Other names: c.5206G>T, p.Ala1736Ser (NM_001366177.2); short protein forms A1736S.
Identifiers: ClinVar variation 4532772 (VCV004532772.2).

ClinVar aggregate classification (germline): Uncertain significance (1 of 4 stars; one submission).

Submission:

GeneDx
Classification: Uncertain significance. Last evaluated: 2026-06-11. Review status: criteria provided, single submitter. Criteria: GeneDx Variant Classification Process June 2021. Collection method: clinical testing. Allele origin: germline.
Comment: Not observed at significant frequency in large population cohorts (gnomAD); In silico analysis suggests that this missense variant does not alter protein structure/function; Has not been previously published as pathogenic or benign to our knowledge